The following is an entry in ClinVar:

ClinVar aggregate classification (germline): Uncertain significance. Review status: criteria provided, multiple submitters, no conflicts (2 of 4 stars). 2 submissions from 2 submitters: Uncertain significance (2). Last evaluated 2025-11-27.

Conditions:
Cardiovascular phenotype. Identifiers: MedGen CN230736.
Brugada syndrome. Also called: Sudden unexpected nocturnal death syndrome; Sudden unexplained nocturnal death syndrome; Sudden Unexplained Death Syndrome; Sudden Unexplained Nocturnal Death Syndrome (SUNDS). Identifiers: Orphanet 130, MedGen C1142166, MONDO:0015263.

Submissions (2):

Labcorp Genetics (formerly Invitae), Labcorp
Classification: Uncertain significance for Brugada syndrome. Last evaluated: 2025-11-27. Review status: criteria provided, single submitter. Criteria: Invitae Variant Classification Sherloc (09022015). Collection method: clinical testing. Allele origin: germline.
Comment: This sequence change replaces tyrosine, which is neutral and polar, with cysteine, which is neutral and slightly polar, at codon 752 of the CACNA2D1 protein (p.Tyr752Cys). This variant is present in population databases (rs764500181, gnomAD 0.002%). This variant has not been reported in the literature in individuals affected with CACNA2D1-related conditions. An algorithm developed to predict the effect of missense changes on protein structure and function (PolyPhen-2) suggests that this variant is likely to be disruptive. In summary, the available evidence is currently insufficient to determine the role of this variant in disease. Therefore, it has been classified as a Variant of Uncertain Significance.

Ambry Genetics
Classification: Uncertain significance for Cardiovascular phenotype. Last evaluated: 2025-10-23. Review status: criteria provided, single submitter. Criteria: Ambry Variant Classification Scheme 2023. Collection method: clinical testing. Allele origin: germline.
Comment: The p.Y752C variant (also known as c.2255A>G), located in coding exon 28 of the CACNA2D1 gene, results from an A to G substitution at nucleotide position 2255. The tyrosine at codon 752 is replaced by cysteine, an amino acid with highly dissimilar properties. This amino acid position is conserved. In addition, this alteration is predicted to be deleterious by in silico analysis. Based on the available evidence, the clinical significance of this variant remains unclear.

NM_000722.4(CACNA2D1):c.2255A>G (p.Tyr752Cys)

Gene: CACNA2D1 (calcium voltage-gated channel auxiliary subunit alpha2delta 1; minus strand). Cytogenetic location: 7q21.11.
Variant type: single nucleotide variant.
Coding change: c.2255A>G on transcript NM_000722.4 (MANE Select); coding-DNA position 2255, A replaced by G.
Protein change: p.Tyr752Cys; replaces tyrosine 752 with cysteine.
Molecular consequence: missense variant.
Genome position (GRCh38, 1-based): chr7:81,969,934, T>C on the plus strand (A>G on the coding strand, the complement: CACNA2D1 is on the minus strand). VCF-style: chr7-81969934-T-C. GRCh37 (hg19) VCF-style: chr7-81599250-T-C.
Other names: c.2291A>G, p.Tyr764Cys (NM_001366867.1); short protein forms Y752C, Y764C.
Identifiers: ClinVar variation 4613772 (VCV004613772.2).